The following is an entry in ClinVar:

ClinVar aggregate classification (germline): Uncertain significance (1 of 4 stars; one submission).

Conditions:
Hereditary cancer-predisposing syndrome. Also called: Neoplastic Syndromes, Hereditary; Tumor predisposition; Hereditary Cancer Syndrome; Hereditary neoplastic syndrome. Identifiers: Orphanet 140162, MedGen C0027672, MeSH D009386, MONDO:0015356.

Submission:

Ambry Genetics
Classification: Uncertain significance for Hereditary cancer-predisposing syndrome. Last evaluated: 2021-07-22. Review status: criteria provided, single submitter. Criteria: Ambry Variant Classification Scheme 2023. Collection method: clinical testing. Allele origin: germline.
Comment: The p.H648Q variant (also known as c.1944C>G), located in coding exon 14 of the PTCH1 gene, results from a C to G substitution at nucleotide position 1944. The histidine at codon 648 is replaced by glutamine, an amino acid with highly similar properties. This amino acid position is highly conserved in available vertebrate species. In addition, the in silico prediction for this alteration is inconclusive. Since supporting evidence is limited at this time, the clinical significance of this alteration remains unclear.

NM_000264.5(PTCH1):c.1944C>G (p.His648Gln)

Genes: PTCH1 (patched 1; minus strand), LOC100507346 (uncharacterized LOC100507346; plus strand). Cytogenetic location: 9q22.32.
Variant type: single nucleotide variant.
Coding change: c.1944C>G on transcript NM_000264.5 (MANE Select); coding-DNA position 1944, C replaced by G.
Protein change: p.His648Gln; replaces histidine 648 with glutamine.
Molecular consequence: missense variant. On other transcripts: non-coding transcript variant (2).
Genome position (GRCh38, 1-based): chr9:95,469,057, G>C on the plus strand (C>G on the coding strand, the complement: PTCH1 is on the minus strand). VCF-style: chr9-95469057-G-C. GRCh37 (hg19) VCF-style: chr9-98231339-G-C.
Other names: c.1746C>G, p.His582Gln (NM_001083602.3); c.1941C>G, p.His647Gln (NM_001083603.3); c.1491C>G, p.His497Gln (NM_001083604.3, NM_001083605.3, NM_001083606.3 and 1 more transcripts); c.1788C>G, p.His596Gln (NM_001354918.2); short protein forms H497Q, H582Q, H647Q, H596Q, H648Q.
Identifiers: ClinVar variation 1783099 (VCV001783099.2), dbSNP rs2118051843, ClinGen allele CA374115992.